The following is an entry in ClinVar:

ClinVar aggregate classification (germline): Uncertain significance. Review status: criteria provided, multiple submitters, no conflicts (2 of 4 stars). 5 submissions from 5 submitters: Uncertain significance (5). Last evaluated 2024-03-01.

Conditions:
PMS2-related disorder. Also called: PMS2-related condition.
Hereditary nonpolyposis colorectal neoplasms. Identifiers: MedGen C0009405, MeSH D003123.
Hereditary cancer-predisposing syndrome. Also called: Neoplastic Syndromes, Hereditary; Hereditary Cancer Syndrome; Tumor predisposition; Hereditary neoplastic syndrome. Identifiers: Orphanet 140162, MedGen C0027672, MeSH D009386, MONDO:0015356.

Submissions (5):

CeGaT Center for Human Genetics Tuebingen
Classification: Uncertain significance. Last evaluated: 2024-03-01. Review status: criteria provided, single submitter. Criteria: CeGaT Center For Human Genetics Tuebingen Variant Classification Criteria Version 2. Collection method: clinical testing. Allele origin: germline. Affected: yes. Observed: 1 variant allele.
Comment: PMS2: PM2, PM4:Supporting

Ambry Genetics
Classification: Uncertain significance for Hereditary cancer-predisposing syndrome. Last evaluated: 2024-01-31. Review status: criteria provided, single submitter. Criteria: Ambry Variant Classification Scheme 2023. Collection method: clinical testing. Allele origin: germline.
Comment: The c.1124_1126delAGC variant (also known as p.Q375del) is located in coding exon 10 of the PMS2 gene. This variant results from an in-frame AGC deletion at nucleotide positions 1124 to 1126. This results in the in-frame deletion of a glutamine at codon 375. This amino acid position is well conserved in available vertebrate species. In addition, the in silico prediction for this alteration is inconclusive (Choi Y et al. PLoS ONE. 2012; 7(10):e46688). Based on the available evidence, the clinical significance of this alteration remains unclear.

PreventionGenetics, part of Exact Sciences
Classification: Uncertain significance for PMS2-related condition. Last evaluated: 2022-11-09. Review status: criteria provided, single submitter. Criteria: ACMG Guidelines, 2015. Collection method: clinical testing. Allele origin: germline.
Comment: The PMS2 c.1124_1126delAGC variant is predicted to result in an in-frame deletion (p.Gln375del). To our knowledge, this variant has not been reported in the literature or in a large population database, indicating this variant is rare. In ClinVar, this variant has been interpreted as uncertain. At this time, the clinical significance of this variant is uncertain due to the absence of conclusive functional and genetic evidence.

Labcorp Genetics (formerly Invitae), Labcorp
Classification: Uncertain significance for Hereditary nonpolyposis colorectal neoplasms. Last evaluated: 2022-04-22. Review status: criteria provided, single submitter. Criteria: Invitae Variant Classification Sherloc (09022015). Collection method: clinical testing. Allele origin: germline.
Comment: ClinVar contains an entry for this variant (Variation ID: 632949). This variant has not been reported in the literature in individuals affected with PMS2-related conditions. This variant is not present in population databases (gnomAD no frequency). This variant, c.1124_1126del, results in the deletion of 1 amino acid(s) of the PMS2 protein (p.Gln375del), but otherwise preserves the integrity of the reading frame. Experimental studies and prediction algorithms are not available or were not evaluated, and the functional significance of this variant is currently unknown. In summary, the available evidence is currently insufficient to determine the role of this variant in disease. Therefore, it has been classified as a Variant of Uncertain Significance.

Women's Health and Genetics/Laboratory Corporation of America, LabCorp
Classification: Uncertain significance. Last evaluated: 2018-01-02. Review status: criteria provided, single submitter. Criteria: LabCorp Variant Classification Summary - May 2015. Collection method: clinical testing. Allele origin: germline.
Comment: Variant summary: The PMS2 c.1124_1126delAGC (p.Gln375del) variant involves the deletion of 3 nucleotides. One in silico tool predicts a damaging outcome for this variant. This variant is absent in 277072 control chromosomes. The variant of interest has not, to our knowledge, been reported in affected individuals via publications and/or reputable databases/clinical diagnostic laboratories; nor evaluated for functional impact by in vivo/vitro studies. Because of the absence of clinical information and the lack of functional studies, the variant is classified as a variant of uncertain significance (VUS) until additional information becomes available.

NM_000535.7(PMS2):c.1121AGC[1] (p.Gln375del)

Gene: PMS2 (PMS1 homolog 2, mismatch repair system component; minus strand). Cytogenetic location: 7p22.1.
Variant type: Microsatellite.
Coding change: c.1121AGC[1] on transcript NM_000535.7 (MANE Select); one copy of the 3-base unit AGC starting at c.1121; the reference has two copies in a row; one copy, 3 bases deleted; also written c.1124_1126del.
Protein change: p.Gln375del; deletes glutamine 375.
Molecular consequence: inframe deletion. On other transcripts: non-coding transcript variant (1), intron variant (2).
Genome position (GRCh38, 1-based): chr7:5,989,818-5,989,820, GCT deleted on the plus strand (AGC on the coding strand, the reverse complement: PMS2 is on the minus strand); deleting any 3 consecutive bases within chr7:5,989,818-5,989,824 gives the same sequence; the position shown is the placement nearest the transcript's 3' end. VCF-style (leftmost placement, unchanged base first): chr7-5989817-GGCT-G. GRCh37 (hg19) VCF-style: chr7-6029448-GGCT-G.
Other names: c.1124_1126delAGC (NM_000535.6); c.716AGC[1], p.Gln240del (NM_001322003.2, NM_001322004.2, NM_001322005.2 and 1 more transcripts); c.803AGC[1], p.Gln269del (NM_001322007.2, NM_001322008.2); c.188AGC[1], p.Gln64del (NM_001322011.2, NM_001322012.2); c.548AGC[1], p.Gln184del (NM_001322013.2); c.1124_1126del (NM_000535.5); c.1121AGC[1], p.Gln375del (NM_001322014.2); c.812AGC[1], p.Gln272del (NM_001322015.2); and 2 more; short protein forms Q184del, Q240del, Q269del, Q272del, Q375del, Q64del.
Identifiers: ClinVar variation 632949 (VCV000632949.37), dbSNP rs1583334101, ClinGen allele CA913189369.